The following is an entry in ClinVar:

ClinVar aggregate classification (germline): Uncertain significance (1 of 4 stars; one submission).

Conditions:
PCNT-related disorder. Also called: PCNT-related condition.

Submission:

PreventionGenetics, part of Exact Sciences
Classification: Uncertain significance for PCNT-related condition. Last evaluated: 2025-07-15. Review status: criteria provided, single submitter. Criteria: ACMG Guidelines, 2015. Collection method: clinical testing. Allele origin: germline.
Comment: The PCNT c.9144_9152del9 variant is predicted to result in an in-frame deletion (p.Leu3049_Asp3051del). To our knowledge, this variant has not been reported in the literature or in a large population database (gnomAD), indicating this variant is rare. At this time, the clinical significance of this variant is uncertain due to the absence of conclusive functional and genetic evidence.

NM_006031.6(PCNT):c.9144_9152del (p.Leu3049_Asp3051del)

Gene: PCNT (pericentrin; plus strand). Cytogenetic location: 21q22.3.
Variant type: Deletion.
Coding change: c.9144_9152del on transcript NM_006031.6 (MANE Select); coding-DNA positions 9144 to 9152, 9 bases deleted (GCTGAAAGA; older notation c.9144_9152delGCTGAAAGA).
Protein change: p.Leu3049_Asp3051del.
Molecular consequence: inframe deletion.
Genome position (GRCh38, 1-based): chr21:46,438,208-46,438,216, GCTGAAAGA deleted. VCF-style (leftmost placement, unchanged base first): chr21-46438207-TGCTGAAAGA-T. GRCh37 (hg19) VCF-style: chr21-47858120-TGCTGAAAGA-T.
Other names: c.8553_8561del, p.Leu2852_Asp2854del (NM_001315529.2).
Identifiers: ClinVar variation 5001169 (VCV005001169.1).